The following is an entry in ClinVar:

ClinVar aggregate classification (germline): Pathogenic. Review status: criteria provided, multiple submitters, no conflicts (2 of 4 stars). 2 submissions from 2 submitters: Pathogenic (2). Last evaluated 2023-03-11.

Conditions:
Bethlem myopathy 1A. Also called: Bethlem Muscular Dystrophy; MYOPATHY, BENIGN CONGENITAL, WITH CONTRACTURES; Bethlem myopathy 1. Identifiers: Orphanet 610, MedGen CN029274, MONDO:0024530, OMIM 158810.
Ullrich congenital muscular dystrophy 1A. Also called: Intermediate COL6-RD; Ullrich congenital muscular dystrophy 1. Identifiers: Orphanet 75840, MedGen C0410179, MONDO:0009681, OMIM 254090.

Submissions (2):

Labcorp Genetics (formerly Invitae), Labcorp
Classification: Pathogenic for Bethlem myopathy 1A. Last evaluated: 2023-03-11. Review status: criteria provided, single submitter. Criteria: Invitae Variant Classification Sherloc (09022015). Collection method: clinical testing. Allele origin: germline.
Comment: For these reasons, this variant has been classified as Pathogenic. ClinVar contains an entry for this variant (Variation ID: 943322). This premature translational stop signal has been observed in individual(s) with autosomal recessive COL6A2-related conditions (PMID: 20976770). This variant is not present in population databases (gnomAD no frequency). This sequence change creates a premature translational stop signal (p.Ser769*) in the COL6A2 gene. It is expected to result in an absent or disrupted protein product. Loss-of-function variants in COL6A2 are known to be pathogenic (PMID: 19884007, 20976770).

Institute for Medical Genetics and Human Genetics, Charité - Universitätsmedizin Berlin
Classification: Pathogenic for Ullrich congenital muscular dystrophy 1A. Review status: criteria provided, single submitter. Criteria: ACMG Guidelines, 2015. Collection method: not provided. Allele origin: germline. Inheritance: Autosomal recessive inheritance. Affected: yes.

Literature cited by the submitters: PubMed 20976770 (cited by Labcorp Genetics (formerly Invitae), Labcorp); PubMed 19884007 (cited by Labcorp Genetics (formerly Invitae), Labcorp).

NM_001849.4(COL6A2):c.2305_2306del (p.Glu768_Ser769insTer)

Gene: COL6A2 (collagen type VI alpha 2 chain; plus strand). Cytogenetic location: 21q22.3.
Variant type: Microsatellite.
Coding change: c.2305_2306del on transcript NM_001849.4 (MANE Select); coding-DNA positions 2305 to 2306, 2 bases deleted (AG; older notation c.2305_2306delAG).
Protein change: p.Glu768_Ser769insTer.
Molecular consequence: nonsense.
Genome position (GRCh38, 1-based): chr21:46,126,120-46,126,121, AG deleted; deleting any 2 consecutive bases within chr21:46,126,117-46,126,121 gives the same sequence; the c. name uses the placement nearest the transcript's 3' end. VCF-style (leftmost placement, unchanged base first): chr21-46126116-CGA-C. GRCh37 (hg19) VCF-style: chr21-47546030-CGA-C.
Other names: c.2305_2306del, p.Glu768_Ser769insTer (NM_058174.3, NM_058175.3).
Identifiers: ClinVar variation 943322 (VCV000943322.12), dbSNP rs2078662535, ClinGen allele CA2392507786.